The following is an entry in ClinVar:

NM_017807.4(OSGEP):c.560G>T (p.Gly187Val)

Gene: OSGEP (O-sialoglycoprotein endopeptidase; minus strand). Cytogenetic location: 14q11.2.
Variant type: single nucleotide variant.
Coding change: c.560G>T on transcript NM_017807.4 (MANE Select); coding-DNA position 560, G replaced by T.
Protein change: p.Gly187Val; replaces glycine 187 with valine.
Molecular consequence: missense variant.
Genome position (GRCh38, 1-based): chr14:20,448,809, C>A on the plus strand (G>T on the coding strand, the complement: OSGEP is on the minus strand). VCF-style: chr14-20448809-C-A. GRCh37 (hg19) VCF-style: chr14-20916968-C-A.
Other names: short protein forms G187V.
Identifiers: ClinVar variation 1684038 (VCV001684038.5), dbSNP rs1417690595, ClinGen allele CA389120500.

ClinVar aggregate classification (germline): Likely pathogenic. Review status: criteria provided, multiple submitters, no conflicts (2 of 4 stars). 2 submissions from 2 submitters: Likely pathogenic (2). Last evaluated 2022-05-14.

Conditions:
Galloway-Mowat syndrome 3. Identifiers: MedGen C4540266, MONDO:0033007, OMIM 617729.

Allele frequency attached by ClinVar (database versions not stated): gnomAD exomes below 0.00001.
gnomAD v4.1: 1 of 1,611,858 alleles (0.000062%); highest among the groups gnomAD compares: African/African-American, 0.0013%; no homozygotes.

Submissions (2):

Center for Molecular Medicine, Children’s Hospital of Fudan University
Classification: Likely pathogenic for Galloway-Mowat syndrome 3. Last evaluated: 2022-05-14. Review status: criteria provided, single submitter. Criteria: ACMG Guidelines, 2015. Collection method: clinical testing. Allele origin: maternal. Affected: yes.

Juno Genomics, Hangzhou Juno Genomics, Inc
Classification: Likely pathogenic for Galloway-Mowat syndrome 3. Review status: criteria provided, single submitter. Criteria: ACMG Guidelines, 2015. Collection method: clinical testing. Allele origin: germline. Affected: yes.
Comment: Absent from controls (or at extremely low frequency if recessive) in Genome Aggregation Database, Exome Sequencing Project, 1000 Genomes Project, or Exome Aggregation Consortium.;For recessive disorders, detected in trans with a pathogenic variant.;Patient's phenotype or family history is highly specific for a disease with a single genetic etiology.